The following is an entry in ClinVar:

NM_170606.3(KMT2C):c.1299+12A>G

Gene: KMT2C (lysine methyltransferase 2C; minus strand). Cytogenetic location: 7q36.1.
Variant type: single nucleotide variant.
Coding change: c.1299+12A>G on transcript NM_170606.3 (MANE Select); 12 bases into the intron after coding-DNA position 1299, A replaced by G.
Molecular consequence: intron variant.
Genome position (GRCh38, 1-based): chr7:152,263,004, T>C on the plus strand (A>G on the coding strand, the complement: KMT2C is on the minus strand). VCF-style: chr7-152263004-T-C. GRCh37 (hg19) VCF-style: chr7-151960089-T-C.
Identifiers: ClinVar variation 1082435 (VCV001082435.15), dbSNP rs368800530, ClinGen allele CA4581539.

ClinVar aggregate classification (germline): Likely benign. Review status: criteria provided, multiple submitters, no conflicts (2 of 4 stars). 2 submissions from 2 submitters: Likely benign (2). Last evaluated 2026-08-01.

Allele frequency attached by ClinVar (database versions not stated): gnomAD exomes 0.00045 and 0.00018; gnomAD 0.00019; ExAC 0.00020; TOPMed 0.00022; ESP Exome Variant Server 0.00023.
gnomAD v4.1: 665 of 1,582,518 alleles (0.042%); highest among the groups gnomAD compares: Non-Finnish European, 0.054%; no homozygotes.

Submissions (2):

CeGaT Center for Human Genetics Tuebingen
Classification: Likely benign. Last evaluated: 2026-08-01. Review status: criteria provided, single submitter. Criteria: CeGaT Center For Human Genetics Tuebingen Variant Classification Criteria Version 2. Collection method: clinical testing. Allele origin: germline. Affected: yes. Observed: 2 variant alleles.
Comment: KMT2C: BP4, BP7

Labcorp Genetics (formerly Invitae), Labcorp
Classification: Likely benign. Last evaluated: 2025-05-04. Review status: criteria provided, single submitter. Criteria: Invitae Variant Classification Sherloc (09022015). Collection method: clinical testing. Allele origin: germline.